The following is an entry in ClinVar:

NM_001039958.2(MESP2):c.709G>C (p.Gly237Arg)

Gene: MESP2 (mesoderm posterior bHLH transcription factor 2; plus strand). Cytogenetic location: 15q26.1.
Variant type: single nucleotide variant.
Coding change: c.709G>C on transcript NM_001039958.2 (MANE Select); coding-DNA position 709, G replaced by C.
Protein change: p.Gly237Arg; replaces glycine 237 with arginine.
Molecular consequence: missense variant.
Genome position (GRCh38, 1-based): chr15:89,777,066, G>C. VCF-style: chr15-89777066-G-C. GRCh37 (hg19) VCF-style: chr15-90320297-G-C.
Other names: short protein forms G237R.
Identifiers: ClinVar variation 2915692 (VCV002915692.3), dbSNP rs1464670553, ClinGen allele CA393773353.

ClinVar aggregate classification (germline): Uncertain significance (1 of 4 stars; one submission).

Submission:

Labcorp Genetics (formerly Invitae), Labcorp
Classification: Uncertain significance. Last evaluated: 2024-06-03. Review status: criteria provided, single submitter. Criteria: Invitae Variant Classification Sherloc (09022015). Collection method: clinical testing. Allele origin: germline.
Comment: This sequence change replaces glycine, which is neutral and non-polar, with arginine, which is basic and polar, at codon 237 of the MESP2 protein (p.Gly237Arg). This variant is not present in population databases (gnomAD no frequency). This variant has not been reported in the literature in individuals affected with MESP2-related conditions. Advanced modeling of protein sequence and biophysical properties (such as structural, functional, and spatial information, amino acid conservation, physicochemical variation, residue mobility, and thermodynamic stability) performed at Invitae indicates that this missense variant is not expected to disrupt MESP2 protein function with a negative predictive value of 80%. In summary, the available evidence is currently insufficient to determine the role of this variant in disease. Therefore, it has been classified as a Variant of Uncertain Significance.